The following is an entry in ClinVar:

ClinVar aggregate classification (germline): Likely benign (1 of 4 stars; one submission).

Allele frequency attached by ClinVar (database versions not stated): gnomAD exomes below 0.00001 and 0.00001; ExAC 0.00001.
gnomAD v4.1: 6 of 1,608,202 alleles (0.00037%); highest among the groups gnomAD compares: Non-Finnish European, 0.00051%; no homozygotes.

Submission:

Laboratory for Molecular Medicine, Mass General Brigham Personalized Medicine
Classification: Likely benign. Last evaluated: 2016-03-29. Review status: criteria provided, single submitter. Criteria: LMM Criteria. Collection method: clinical testing. Allele origin: germline. Observed: 1 variant allele.
Comment: p.Tyr715Tyr in exon 18 of MYH14: This variant is not expected to have clinical s ignificance because it does not alter an amino acid residue and it is not locate d within the splice consensus sequence. It has been identified in 1/48234 Europe an chromosomes by the Exome Aggregation Consortium (ExAC; dbSNP rs774452001).

NM_001145809.2(MYH14):c.2145C>T (p.Tyr715=)

Gene: MYH14 (myosin heavy chain 14; plus strand). Cytogenetic location: 19q13.33.
Variant type: single nucleotide variant.
Coding change: c.2145C>T on transcript NM_001145809.2 (MANE Select); coding-DNA position 2145, C replaced by T.
Protein change: p.Tyr715=; no amino-acid change (tyrosine 715 retained).
Molecular consequence: synonymous variant.
Genome position (GRCh38, 1-based): chr19:50,257,399, C>T. VCF-style: chr19-50257399-C-T. GRCh37 (hg19) VCF-style: chr19-50760656-C-T.
Other names: c.2046C>T, p.Tyr682= (NM_001077186.2); c.2022C>T, p.Tyr674= (NM_024729.4).
Identifiers: ClinVar variation 227576 (VCV000227576.4), dbSNP rs774452001, ClinGen allele CA9592803.